The following is an entry in ClinVar:

NM_001291415.2(KDM6A):c.3573dup (p.Gly1192fs)

Gene: KDM6A (lysine demethylase 6A; plus strand). Cytogenetic location: Xp11.3.
Variant type: Duplication.
Coding change: c.3573dup on transcript NM_001291415.2 (MANE Select); coding-DNA position 3573, one base duplicated (A; older notation c.3573dupA).
Protein change: p.Gly1192fs; shifts the reading frame from glycine 1192.
Molecular consequence: frameshift variant. On other transcripts: non-coding transcript variant (1).
Genome position (GRCh38, 1-based): chrX:45,083,592, A duplicated. VCF-style (leftmost placement, unchanged base first): chrX-45083591-C-CA. GRCh37 (hg19) VCF-style: chrX-44942836-C-CA.
Other names: c.3438dup, p.Gly1147fs (NM_001291416.2, NM_001419811.1); c.3282dup, p.Gly1095fs (NM_001291417.2); c.3180dup, p.Gly1061fs (NM_001291418.2, NM_001419815.1); c.2529dup, p.Gly844fs (NM_001291421.2); c.3315dup, p.Gly1106fs (NM_001410742.1, NM_001419814.1); c.3573dup, p.Gly1192fs (NM_001419809.1); c.3471dup, p.Gly1158fs (NM_001419810.1, NM_001419813.1); c.3417dup, p.Gly1140fs (NM_001419812.1, NM_021140.4); short protein forms G1061fs, G1095fs, G1106fs, G1140fs, G1147fs, G1158fs, G1192fs, G844fs.
Identifiers: ClinVar variation 4845549 (VCV004845549.1).
Genomic context (GRCh38, chrX:45,083,591, plus strand): 5'-TAAGCCATGTTGGTCATACCATATTGGGCATGAACACAGTTCAACTATACATGAAAGTTC[C>CA]AGGGAGCAGAACACCAGGTAATTTGTATGAACTAACATATCTTGTTAAAATGGAAAACAA-3'

ClinVar aggregate classification (germline): Likely pathogenic (1 of 4 stars; one submission).

Conditions:
Kabuki syndrome 2 (KABUK2). Also called: KDM6A-Related Kabuki Syndrome. Identifiers: Orphanet 2322, MedGen C3275495, MONDO:0010465, OMIM 300867.

Submission:

Greenwood Genetic Center Diagnostic Laboratories, Greenwood Genetic Center
Classification: Likely pathogenic for Kabuki syndrome 2. Last evaluated: 2025-10-01. Review status: criteria provided, single submitter. Criteria: ACMG Guidelines, 2015. Collection method: clinical testing. Allele origin: germline. Affected: yes.
Comment: PVS1, PM2, PM6